The following is an entry in ClinVar:

ClinVar aggregate classification (germline): Conflicting classifications of pathogenicity. Review status: criteria provided, conflicting classifications (1 of 4 stars). 2 submissions from 2 submitters: Uncertain significance (1); Likely benign (1). Last evaluated 2025-08-29.

Conditions:
Charcot-Marie-Tooth disease type 2. Also called: Charcot-Marie-Tooth type 2. Identifiers: Orphanet 64746, MedGen C0270914, MONDO:0018993.

Allele frequency attached by ClinVar (database versions not stated): ExAC 0.00003; TOPMed below 0.00001; gnomAD exomes 0.00002.

Submissions (2):

Ambry Genetics
Classification: Likely benign. Last evaluated: 2025-08-29. Review status: criteria provided, single submitter. Criteria: Ambry Variant Classification Scheme 2023. Collection method: clinical testing. Allele origin: germline.

Labcorp Genetics (formerly Invitae), Labcorp
Classification: Uncertain significance for Charcot-Marie-Tooth disease type 2. Last evaluated: 2023-02-23. Review status: criteria provided, single submitter. Criteria: Invitae Variant Classification Sherloc (09022015). Collection method: clinical testing. Allele origin: germline.
Comment: In summary, the available evidence is currently insufficient to determine the role of this variant in disease. Therefore, it has been classified as a Variant of Uncertain Significance. An algorithm developed to predict the effect of missense changes on protein structure and function (PolyPhen-2) suggests that this variant is likely to be disruptive. ClinVar contains an entry for this variant (Variation ID: 1736950). This variant has not been reported in the literature in individuals affected with KIF1B-related conditions. This variant is present in population databases (rs772880800, gnomAD 0.03%). This sequence change replaces lysine, which is basic and polar, with asparagine, which is neutral and polar, at codon 1334 of the KIF1B protein (p.Lys1334Asn).

NM_001365951.3(KIF1B):c.4140G>T (p.Lys1380Asn)

Gene: KIF1B (kinesin family member 1B; plus strand). Cytogenetic location: 1p36.22.
Variant type: single nucleotide variant.
Coding change: c.4140G>T on transcript NM_001365951.3 (MANE Select); coding-DNA position 4140, G replaced by T.
Protein change: p.Lys1380Asn; replaces lysine 1380 with asparagine.
Molecular consequence: missense variant.
Genome position (GRCh38, 1-based): chr1:10,361,013, G>T. VCF-style: chr1-10361013-G-T. GRCh37 (hg19) VCF-style: chr1-10421071-G-T.
Other names: c.4140G>T, p.Lys1380Asn (NM_001365952.1); c.4002G>T, p.Lys1334Asn (NM_015074.3); short protein forms K1334N, K1380N.
Identifiers: ClinVar variation 1736950 (VCV001736950.6), dbSNP rs772880800, ClinGen allele CA581993.